The following is an entry in ClinVar:

ClinVar aggregate classification (germline): Uncertain significance (1 of 4 stars; one submission).

Conditions:
Hyperinsulinemic hypoglycemia, familial, 1 (HHF1). Also called: HYPERINSULINISM, FAMILIAL, WITH PANCREATIC NESIDIOBLASTOSIS; HYPOGLYCEMIA, HYPERINSULINEMIC, OF INFANCY; Persistent Hyperinsulinemia Hypoglycemia of Infancy; NESIDIOBLASTOSIS OF PANCREAS; Persistent hyperinsulinemic hypoglycemia of infancy. Identifiers: Orphanet 276575, Orphanet 276598, MedGen C2931832, MONDO:0009734, OMIM 256450.

Allele frequency attached by ClinVar (database versions not stated): gnomAD 0.00001; gnomAD exomes 0.00001; TOPMed 0.00001.

Submission:

Broad Center for Mendelian Genomics, Broad Institute of MIT and Harvard
Classification: Uncertain significance for Hyperinsulinemic hypoglycemia, familial, 1. Last evaluated: 2023-08-16. Review status: criteria provided, single submitter. Criteria: ACMG Guidelines, 2015. Collection method: curation. Allele origin: germline. Inheritance: Autosomal recessive inheritance.
Comment: The p.Val21Ile variant in ABCC8 has not been previously reported in individuals with hyperinsulinemic hypoglycemia, but has been identified in 0.0009% (1/107616) of European (non-Finnish) chromosomes by the Genome Aggregation Database (gnomAD; dbSNP rs1176097396). Although this variant has been seen in the general population in a heterozygous state, its frequency is low enough to be consistent with a recessive carrier frequency. Computational prediction tools and conservation analyses do not provide strong support for or against an impact to the protein. One additional pathogenic variant, resulting in a different amino acid change at the same position, p.Val21Asp, has been reported in association with disease in ClinVar, supporting that a change at this position may not be tolerated (Variation ID: 495835). In summary the clinical significance of the p.Val21Ile variant is uncertain. ACMG/AMP Criteria applied: PM2_supporting, PM5 (Richards 2015).

NM_000352.6(ABCC8):c.61G>A (p.Val21Ile)

Gene: ABCC8 (ATP binding cassette subfamily C member 8; minus strand). Cytogenetic location: 11p15.1.
Variant type: single nucleotide variant.
Coding change: c.61G>A on transcript NM_000352.6 (MANE Select); coding-DNA position 61, G replaced by A.
Protein change: p.Val21Ile; replaces valine 21 with isoleucine.
Molecular consequence: missense variant. On other transcripts: non-coding transcript variant (1).
Genome position (GRCh38, 1-based): chr11:17,476,716, C>T on the plus strand (G>A on the coding strand, the complement: ABCC8 is on the minus strand). VCF-style: chr11-17476716-C-T. GRCh37 (hg19) VCF-style: chr11-17498263-C-T.
Other names: NM_001287174.3:c.61G>A; c.61G>A, p.Val21Ile (NM_001287174.3, NM_001351295.2, NM_001351296.2 and 1 more transcripts); short protein forms V21I.
Identifiers: ClinVar variation 2576219 (VCV002576219.1), dbSNP rs1176097396, ClinGen allele CA379790102.